The following is an entry in ClinVar:

NM_020921.4(NIN):c.5603C>A (p.Ala1868Asp)

Gene: NIN (ninein; minus strand). Cytogenetic location: 14q22.1.
Variant type: single nucleotide variant.
Coding change: c.5603C>A on transcript NM_020921.4 (MANE Select); coding-DNA position 5603, C replaced by A.
Protein change: p.Ala1868Asp; replaces alanine 1868 with aspartic acid.
Molecular consequence: missense variant.
Genome position (GRCh38, 1-based): chr14:50,739,333, G>T on the plus strand (C>A on the coding strand, the complement: NIN is on the minus strand). VCF-style: chr14-50739333-G-T. GRCh37 (hg19) VCF-style: chr14-51206051-G-T.
Other names: c.3464C>A, p.Ala1155Asp (NM_016350.5); c.5603C>A, p.Ala1868Asp (NM_182944.3, NM_182946.2); short protein forms A1868D, A1155D.
Identifiers: ClinVar variation 2024320 (VCV002024320.4), dbSNP rs2505218162, ClinGen allele CA389677359.

ClinVar aggregate classification (germline): Uncertain significance (1 of 4 stars; one submission).

Submission:

Labcorp Genetics (formerly Invitae), Labcorp
Classification: Uncertain significance. Last evaluated: 2022-08-16. Review status: criteria provided, single submitter. Criteria: Invitae Variant Classification Sherloc (09022015). Collection method: clinical testing. Allele origin: germline.
Comment: This sequence change replaces alanine, which is neutral and non-polar, with aspartic acid, which is acidic and polar, at codon 1868 of the NIN protein (p.Ala1868Asp). This variant is not present in population databases (gnomAD no frequency). This variant has not been reported in the literature in individuals affected with NIN-related conditions. Algorithms developed to predict the effect of missense changes on protein structure and function are either unavailable or do not agree on the potential impact of this missense change (SIFT: "Deleterious"; PolyPhen-2: "Possibly Damaging"; Align-GVGD: "Class C0"). In summary, the available evidence is currently insufficient to determine the role of this variant in disease. Therefore, it has been classified as a Variant of Uncertain Significance.